The following is an entry in ClinVar:

ClinVar aggregate classification (germline): Uncertain significance (1 of 4 stars; one submission).

Allele frequency attached by ClinVar (database versions not stated): gnomAD 0.00019; 1000 Genomes Project 0.00020; ExAC 0.00020; TOPMed 0.00024; 1000 Genomes Project 30x 0.00031; ESP Exome Variant Server 0.00038.
gnomAD v4.1: 289 of 1,613,586 alleles (0.018%); highest among the groups gnomAD compares: African/African-American, 0.04%; no homozygotes.

Submission:

Labcorp Genetics (formerly Invitae), Labcorp
Classification: Uncertain significance. Last evaluated: 2025-10-06. Review status: criteria provided, single submitter. Criteria: Invitae Variant Classification Sherloc (09022015). Collection method: clinical testing. Allele origin: germline.
Comment: This sequence change replaces arginine, which is basic and polar, with cysteine, which is neutral and slightly polar, at codon 465 of the KRT85 protein (p.Arg465Cys). This variant is present in population databases (rs201777129, gnomAD 0.05%). This variant has not been reported in the literature in individuals affected with KRT85-related conditions. ClinVar contains an entry for this variant (Variation ID: 2084189). Invitae Evidence Modeling of protein sequence and biophysical properties (such as structural, functional, and spatial information, amino acid conservation, physicochemical variation, residue mobility, and thermodynamic stability) indicates that this missense variant is not expected to disrupt KRT85 protein function with a negative predictive value of 95%. In summary, the available evidence is currently insufficient to determine the role of this variant in disease. Therefore, it has been classified as a Variant of Uncertain Significance.

NM_002283.4(KRT85):c.1393C>T (p.Arg465Cys)

Gene: KRT85 (keratin 85; minus strand). Cytogenetic location: 12q13.13.
Variant type: single nucleotide variant.
Coding change: c.1393C>T on transcript NM_002283.4 (MANE Select); coding-DNA position 1393, C replaced by T.
Protein change: p.Arg465Cys; replaces arginine 465 with cysteine.
Molecular consequence: missense variant.
Genome position (GRCh38, 1-based): chr12:52,360,984, G>A on the plus strand (C>T on the coding strand, the complement: KRT85 is on the minus strand). VCF-style: chr12-52360984-G-A. GRCh37 (hg19) VCF-style: chr12-52754768-G-A.
Other names: c.757C>T, p.Arg253Cys (NM_001300810.1); short protein forms R465C, R253C.
Identifiers: ClinVar variation 2084189 (VCV002084189.4), dbSNP rs201777129, ClinGen allele CA6577913.